The following is an entry in ClinVar:

NM_004655.4(AXIN2):c.2099C>T (p.Ala700Val)

Gene: AXIN2 (axin 2; minus strand). Cytogenetic location: 17q24.1.
Variant type: single nucleotide variant.
Coding change: c.2099C>T on transcript NM_004655.4 (MANE Select); coding-DNA position 2099, C replaced by T.
Protein change: p.Ala700Val; replaces alanine 700 with valine.
Molecular consequence: missense variant.
Genome position (GRCh38, 1-based): chr17:65,536,362, G>A on the plus strand (C>T on the coding strand, the complement: AXIN2 is on the minus strand). VCF-style: chr17-65536362-G-A. GRCh37 (hg19) VCF-style: chr17-63532480-G-A.
Other names: c.1904C>T, p.Ala635Val (NM_001363813.1); short protein forms A635V, A700V.
Identifiers: ClinVar variation 1020027 (VCV001020027.8), dbSNP rs1414074583, ClinGen allele CA400675988.
Genomic context (GRCh38, chr17:65,536,362, plus strand): 5'-CCCTTCACTTCCACTCACCGCTGCTTTGGGGGCTTCGACACCTCAGCTAGCCTGCGACAG[G>A]CCTCCTCCAGCTGAGCCAGCGTGTTGGGTGGGGTCAGGGGAGGCATCGCAGGGTCCTGGG-3'
Protein context (NP_004646.3, residues 690-710): PPNTLAQLEE[Ala700Val]CRRLAEVSKP

ClinVar aggregate classification (germline): Uncertain significance (1 of 4 stars; one submission).

Conditions:
Oligodontia-cancer predisposition syndrome. Also called: TOOTH AGENESIS-COLORECTAL CANCER SYNDROME. Identifiers: Orphanet 300576, MedGen C1837750, MONDO:0012075, OMIM 608615. Disease mechanism: loss of function.

Submission:

Labcorp Genetics (formerly Invitae), Labcorp
Classification: Uncertain significance for Oligodontia-cancer predisposition syndrome. Last evaluated: 2022-08-09. Review status: criteria provided, single submitter. Criteria: Invitae Variant Classification Sherloc (09022015). Collection method: clinical testing. Allele origin: germline.
Comment: In summary, the available evidence is currently insufficient to determine the role of this variant in disease. Therefore, it has been classified as a Variant of Uncertain Significance. Algorithms developed to predict the effect of sequence changes on RNA splicing suggest that this variant may create or strengthen a splice site. Algorithms developed to predict the effect of missense changes on protein structure and function (SIFT, PolyPhen-2, Align-GVGD) all suggest that this variant is likely to be disruptive. ClinVar contains an entry for this variant (Variation ID: 1020027). This variant has not been reported in the literature in individuals affected with AXIN2-related conditions. This variant is not present in population databases (gnomAD no frequency). This sequence change replaces alanine, which is neutral and non-polar, with valine, which is neutral and non-polar, at codon 700 of the AXIN2 protein (p.Ala700Val).